The following is an entry in ClinVar:

NM_152564.5(VPS13B):c.4153A>G (p.Ser1385Gly)

Gene: VPS13B (vacuolar protein sorting 13 homolog B; plus strand). Cytogenetic location: 8q22.2.
Variant type: single nucleotide variant.
Coding change: c.4153A>G on transcript NM_152564.5 (MANE Select); coding-DNA position 4153, A replaced by G.
Protein change: p.Ser1385Gly; replaces serine 1385 with glycine.
Molecular consequence: missense variant.
Genome position (GRCh38, 1-based): chr8:99,502,946, A>G. VCF-style: chr8-99502946-A-G. GRCh37 (hg19) VCF-style: chr8-100515174-A-G.
Other names: c.4153A>G, p.Ser1385Gly (NM_017890.5); short protein forms S1385G.
Identifiers: ClinVar variation 2084991 (VCV002084991.1), dbSNP rs2490459929, ClinGen allele CA371870141.

ClinVar aggregate classification (germline): Uncertain significance (1 of 4 stars; one submission).

Conditions:
Cohen syndrome (COH1). Also called: PEPPER SYNDROME; Cutis verticis gyrata, retinitis pigmentosa, and sensorineural deafness. Identifiers: Orphanet 193, MedGen C0265223, MONDO:0008999, OMIM 216550.

Allele frequency attached by ClinVar (database versions not stated): gnomAD exomes below 0.00001.
gnomAD v4.1: 1 of 1,593,406 alleles (0.000063%); highest among the groups gnomAD compares: African/African-American, 0.0013%; no homozygotes.

Submission:

Labcorp Genetics (formerly Invitae), Labcorp
Classification: Uncertain significance for Cohen syndrome. Last evaluated: 2022-08-15. Review status: criteria provided, single submitter. Criteria: Invitae Variant Classification Sherloc (09022015). Collection method: clinical testing. Allele origin: germline.
Comment: This sequence change replaces serine, which is neutral and polar, with glycine, which is neutral and non-polar, at codon 1385 of the VPS13B protein (p.Ser1385Gly). This variant is not present in population databases (gnomAD no frequency). This variant has not been reported in the literature in individuals affected with VPS13B-related conditions. Algorithms developed to predict the effect of missense changes on protein structure and function are either unavailable or do not agree on the potential impact of this missense change (SIFT: "Not Available"; PolyPhen-2: "Benign"; Align-GVGD: "Not Available"). In summary, the available evidence is currently insufficient to determine the role of this variant in disease. Therefore, it has been classified as a Variant of Uncertain Significance.